The following is an entry in ClinVar:

NM_001110556.2(FLNA):c.1855G>T (p.Ala619Ser)

Gene: FLNA (filamin A; minus strand). Cytogenetic location: Xq28.
Variant type: single nucleotide variant.
Coding change: c.1855G>T on transcript NM_001110556.2 (MANE Select); coding-DNA position 1855, G replaced by T.
Protein change: p.Ala619Ser; replaces alanine 619 with serine.
Molecular consequence: missense variant.
Genome position (GRCh38, 1-based): chrX:154,364,693, C>A on the plus strand (G>T on the coding strand, the complement: FLNA is on the minus strand). VCF-style: chrX-154364693-C-A. GRCh37 (hg19) VCF-style: chrX-153593061-C-A.
Other names: c.1855G>T, p.Ala619Ser (NM_001456.4); short protein forms A619S.
Identifiers: ClinVar variation 4871433 (VCV004871433.1).
Genomic context (GRCh38, chrX:154,364,693, plus strand): 5'-CCTGCGGCCAGTAGCGCACATCACAGGAGCCGTCGCCCTTGTCGTCACATTCGATCTTAG[C>A]CTGCGATGGCCCTTCCACCGAGAAGCCTGACAACAGCCACCAGTCCCCTCAGTGCCCTGG-3'
Protein context (NP_001104026.1, residues 609-629): LGFSVEGPSQ[Ala619Ser]KIECDDKGDG

ClinVar aggregate classification (germline): Uncertain significance (1 of 4 stars; one submission).

Conditions:
Familial thoracic aortic aneurysm and aortic dissection (TAAD). Also called: Thoracic aortic aneurysms and dissections. Identifiers: Orphanet 91387, MedGen C4707243, MONDO:0019625.

Submission:

Ambry Genetics
Classification: Uncertain significance for Familial thoracic aortic aneurysm and aortic dissection. Last evaluated: 2026-03-15. Review status: criteria provided, single submitter. Criteria: Ambry Variant Classification Scheme 2023. Collection method: clinical testing. Allele origin: germline.
Comment: The p.A619S variant (also known as c.1855G>T), located in coding exon 12 of the FLNA gene, results from a G to T substitution at nucleotide position 1855. The alanine at codon 619 is replaced by serine, an amino acid with similar properties. This amino acid position is conserved. In addition, the in silico prediction for this alteration is inconclusive. Based on the available evidence, the clinical significance of this variant remains unclear.